The following is an entry in ClinVar:

NM_017841.4(SDHAF2):c.110G>A (p.Gly37Asp)

Gene: SDHAF2 (succinate dehydrogenase complex assembly factor 2; plus strand). Cytogenetic location: 11q12.2.
Variant type: single nucleotide variant.
Coding change: c.110G>A on transcript NM_017841.4 (MANE Select); coding-DNA position 110, G replaced by A.
Protein change: p.Gly37Asp; replaces glycine 37 with aspartic acid.
Molecular consequence: missense variant.
Genome position (GRCh38, 1-based): chr11:61,437,698, G>A. VCF-style: chr11-61437698-G-A. GRCh37 (hg19) VCF-style: chr11-61205170-G-A.
Other names: short protein forms G37D.
Identifiers: ClinVar variation 3316873 (VCV003316873.2).
Genomic context (GRCh38, chr11:61,437,698, plus strand): 5'-CAAGGCACAGCCTATTGTCTCCTTTGCTCAGTGTGACATCATTCAGACGCTTCTACAGAG[G>A]TGACAGCCCAACAGATTCCCAAAAGGACATGATTGAAATCCCTTTGCCTCCATGGCAGGA-3'
Protein context (NP_060311.1, residues 27-47): SVTSFRRFYR[Gly37Asp]DSPTDSQKDM

ClinVar aggregate classification (germline): Uncertain significance. Review status: criteria provided, multiple submitters, no conflicts (2 of 4 stars). 2 submissions from 2 submitters: Uncertain significance (2). Last evaluated 2025-03-01.

Conditions:
Hereditary cancer-predisposing syndrome. Also called: Neoplastic Syndromes, Hereditary; Tumor predisposition; Hereditary Cancer Syndrome; Hereditary neoplastic syndrome. Identifiers: Orphanet 140162, MedGen C0027672, MeSH D009386, MONDO:0015356.
Hereditary pheochromocytoma and paraganglioma. Also called: Hereditary paragangliomas and pheochromocytomas; Hereditary Paraganglioma-Pheochromocytoma Syndromes; Hereditary pheochromocytoma-paraganglioma. Identifiers: Orphanet 29072, MedGen C4274332, MONDO:0017366.

Submissions (2):

Labcorp Genetics (formerly Invitae), Labcorp
Classification: Uncertain significance for Hereditary pheochromocytoma and paraganglioma. Last evaluated: 2025-03-01. Review status: criteria provided, single submitter. Criteria: Invitae Variant Classification Sherloc (09022015). Collection method: clinical testing. Allele origin: germline.
Comment: This sequence change replaces glycine, which is neutral and non-polar, with aspartic acid, which is acidic and polar, at codon 37 of the SDHAF2 protein (p.Gly37Asp). This variant is not present in population databases (gnomAD no frequency). This variant has not been reported in the literature in individuals affected with SDHAF2-related conditions. ClinVar contains an entry for this variant (Variation ID: 3316873). An algorithm developed to predict the effect of missense changes on protein structure and function (PolyPhen-2) suggests that this variant is likely to be disruptive. In summary, the available evidence is currently insufficient to determine the role of this variant in disease. Therefore, it has been classified as a Variant of Uncertain Significance.

Ambry Genetics
Classification: Uncertain significance for Hereditary cancer-predisposing syndrome. Last evaluated: 2024-04-19. Review status: criteria provided, single submitter. Criteria: Ambry Variant Classification Scheme 2023. Collection method: clinical testing. Allele origin: germline.
Comment: The p.G37D variant (also known as c.110G>A), located in coding exon 2 of the SDHAF2 gene, results from a G to A substitution at nucleotide position 110. The glycine at codon 37 is replaced by aspartic acid, an amino acid with similar properties. This amino acid position is conserved. In addition, this alteration is predicted to be deleterious by in silico analysis. Based on the available evidence, the clinical significance of this variant remains unclear.